The following is an entry in ClinVar:

NM_020461.4(TUBGCP6):c.1755C>G (p.Pro585=)

Gene: TUBGCP6 (tubulin gamma complex component 6; minus strand). Cytogenetic location: 22q13.33.
Variant type: single nucleotide variant.
Coding change: c.1755C>G on transcript NM_020461.4 (MANE Select); coding-DNA position 1755, C replaced by G.
Protein change: p.Pro585=; no amino-acid change (proline 585 retained).
Molecular consequence: synonymous variant.
Genome position (GRCh38, 1-based): chr22:50,226,128, G>C on the plus strand (C>G on the coding strand, the complement: TUBGCP6 is on the minus strand). VCF-style: chr22-50226128-G-C. GRCh37 (hg19) VCF-style: chr22-50664557-G-C.
Identifiers: ClinVar variation 2088936 (VCV002088936.28), dbSNP rs773232500, ClinGen allele CA515377345.

ClinVar aggregate classification (germline): Likely benign. Review status: criteria provided, multiple submitters, no conflicts (2 of 4 stars). 2 submissions from 2 submitters: Likely benign (2). Last evaluated 2022-07-28.

gnomAD v4.1: 1 of 1,614,158 alleles (0.000062%); highest among the groups gnomAD compares: East Asian, 0.0022%; no homozygotes.

Submissions (2):

Labcorp Genetics (formerly Invitae), Labcorp
Classification: Likely benign. Last evaluated: 2022-07-28. Review status: criteria provided, single submitter. Criteria: Invitae Variant Classification Sherloc (09022015). Collection method: clinical testing. Allele origin: germline.

CeGaT Center for Human Genetics Tuebingen
Classification: Likely benign. Last evaluated: 2022-04-01. Review status: criteria provided, single submitter. Criteria: CeGaT Center For Human Genetics Tuebingen Variant Classification Criteria Version 2. Collection method: clinical testing. Allele origin: germline. Affected: yes. Observed: 1 variant allele.
Comment: TUBGCP6: PM2:Supporting, BP4, BP7